The following is an entry in ClinVar:

NM_002016.2(FLG):c.11431A>T (p.Arg3811Ter)

Genes: CCDST (cervical cancer associated DHX9 suppressive transcript; plus strand), FLG (filaggrin; minus strand). Cytogenetic location: 1q21.3.
Variant type: single nucleotide variant.
Coding change: c.11431A>T on transcript NM_002016.2 (MANE Select); coding-DNA position 11431, A replaced by T.
Protein change: p.Arg3811Ter; replaces arginine 3811 with a stop codon.
Molecular consequence: nonsense.
Genome position (GRCh38, 1-based): chr1:152,303,455, T>A on the plus strand (A>T on the coding strand, the complement: FLG is on the minus strand). VCF-style: chr1-152303455-T-A. GRCh37 (hg19) VCF-style: chr1-152275931-T-A.
Other names: short protein forms R3811*.
Identifiers: ClinVar variation 3600663 (VCV003600663.4).

ClinVar aggregate classification (germline): Pathogenic/Likely pathogenic. Review status: criteria provided, multiple submitters, no conflicts (2 of 4 stars). 2 submissions from 2 submitters: Pathogenic (1); Likely pathogenic (1). Last evaluated 2026-10-19.

Conditions:
FLG-related disorder. Also called: FLG-related condition; FLG-related disorders.

gnomAD v4.1: 34 of 1,614,000 alleles (0.0021%); highest among the groups gnomAD compares: Non-Finnish European, 0.0027%; no homozygotes.

Submissions (2):

GeneDx
Classification: Pathogenic. Last evaluated: 2026-10-19. Review status: criteria provided, single submitter. Criteria: GeneDx Variant Classification Process June 2021. Collection method: clinical testing. Allele origin: germline.
Comment: Nonsense variant predicted to result in protein truncation, as the last 251 amino acid(s) are lost, and other loss-of-function variants have been reported downstream in HGMD; Has not been previously published as pathogenic or benign to our knowledge; This variant is associated with the following publications: (PMID: 16444271)

Blueprint Genetics
Classification: Likely pathogenic for FLG-related disorders. Last evaluated: 2023-09-26. Review status: criteria provided, single submitter. Criteria: ACMG Guidelines, 2015. Collection method: clinical testing. Allele origin: germline. Affected: yes. Observed: 2 variant alleles.